The following is an entry in ClinVar:

NM_001394062.1(MACF1):c.3745G>T (p.Glu1249Ter)

Gene: MACF1 (microtubule actin crosslinking factor 1; plus strand). Cytogenetic location: 1p34.3.
Variant type: single nucleotide variant.
Coding change: c.3745G>T on transcript NM_001394062.1 (MANE Select); coding-DNA position 3745, G replaced by T.
Protein change: p.Glu1249Ter; replaces glutamic acid 1249 with a stop codon.
Molecular consequence: nonsense.
Genome position (GRCh38, 1-based): chr1:39,317,370, G>T. VCF-style: chr1-39317370-G-T. GRCh37 (hg19) VCF-style: chr1-39783042-G-T.
Other names: c.3760G>T, p.Glu1254Ter (NM_012090.5); short protein forms E1254*, E1249*.
Identifiers: ClinVar variation 1031173 (VCV001031173.1), dbSNP rs770263434, ClinGen allele CA339786319.

ClinVar aggregate classification (germline): Uncertain significance (1 of 4 stars; one submission).

Conditions:
Lissencephaly 9 with complex brainstem malformation. Identifiers: Orphanet 572013, MedGen C5193029, MONDO:0032677, OMIM 618325.

Submission:

Baylor Genetics
Classification: Uncertain significance for Lissencephaly 9 with complex brainstem malformation. Last evaluated: 2019-11-21. Review status: criteria provided, single submitter. Criteria: ACMG Guidelines, 2015. Collection method: clinical testing. Allele origin: unknown. Affected: yes.
Comment: This variant was determined to be of uncertain significance according to ACMG Guidelines, 2015 [PMID:25741868].